The following is an entry in ClinVar:

NM_053025.4(MYLK):c.1885C>G (p.Leu629Val)

Gene: MYLK (myosin light chain kinase; minus strand). Cytogenetic location: 3q21.1.
Variant type: single nucleotide variant.
Coding change: c.1885C>G on transcript NM_053025.4 (MANE Select); coding-DNA position 1885, C replaced by G.
Protein change: p.Leu629Val; replaces leucine 629 with valine.
Molecular consequence: missense variant.
Genome position (GRCh38, 1-based): chr3:123,709,813, G>C on the plus strand (C>G on the coding strand, the complement: MYLK is on the minus strand). VCF-style: chr3-123709813-G-C. GRCh37 (hg19) VCF-style: chr3-123428660-G-C.
Other names: c.1357C>G, p.Leu453Val (NM_001321309.2); c.1678C>G, p.Leu560Val (NM_053026.4, NM_053028.4); c.1885C>G, p.Leu629Val (NM_053027.4); short protein forms L453V, L560V, L629V.
Identifiers: ClinVar variation 3390171 (VCV003390171.15).
Genomic context (GRCh38, chr3:123,709,813, plus strand): 5'-GACCTGACACTTGGACAGTCATAGTGACCTGGCTTCCATCCATGACTTTGAGATCAGAGA[G>C]GCCCTGCAGGAAGATGGGTGCAGTGGGCTTGCTGGGAGCCACAGGCAGAAGGTACTCACT-3'
Protein context (NP_444253.3, residues 619-639): KPTAPIFLQG[Leu629Val]SDLKVMDGSQ

ClinVar aggregate classification (germline): Uncertain significance. Review status: criteria provided, multiple submitters, no conflicts (2 of 4 stars). 2 submissions from 2 submitters: Uncertain significance (2). Last evaluated 2025-03-04.

Conditions:
Aortic aneurysm, familial thoracic 7 (AAT7). Also called: AORTIC DISSECTION, FAMILIAL, WITH OR WITHOUT AORTIC ANEURYSM. Identifiers: MedGen C3151077, MONDO:0013418, OMIM 613780.

gnomAD v4.1: 1 of 1,614,208 alleles (0.000062%); no homozygotes.

Submissions (2):

Labcorp Genetics (formerly Invitae), Labcorp
Classification: Uncertain significance for Aortic aneurysm, familial thoracic 7. Last evaluated: 2025-03-04. Review status: criteria provided, single submitter. Criteria: Invitae Variant Classification Sherloc (09022015). Collection method: clinical testing. Allele origin: germline.
Comment: This sequence change replaces leucine, which is neutral and non-polar, with valine, which is neutral and non-polar, at codon 629 of the MYLK protein (p.Leu629Val). This variant is not present in population databases (gnomAD no frequency). This variant has not been reported in the literature in individuals affected with MYLK-related conditions. ClinVar contains an entry for this variant (Variation ID: 3390171). Invitae Evidence Modeling of protein sequence and biophysical properties (such as structural, functional, and spatial information, amino acid conservation, physicochemical variation, residue mobility, and thermodynamic stability) has been performed for this missense variant. However, the output from this modeling did not meet the statistical confidence thresholds required to predict the impact of this variant on MYLK protein function. In summary, the available evidence is currently insufficient to determine the role of this variant in disease. Therefore, it has been classified as a Variant of Uncertain Significance.

CeGaT Center for Human Genetics Tuebingen
Classification: Uncertain significance. Last evaluated: 2024-11-01. Review status: criteria provided, single submitter. Criteria: CeGaT Center For Human Genetics Tuebingen Variant Classification Criteria Version 2. Collection method: clinical testing. Allele origin: germline. Affected: yes. Observed: 1 variant allele.
Comment: MYLK: PM2, BP4